The following is an entry in ClinVar:

ClinVar aggregate classification (germline): Uncertain significance (1 of 4 stars; one submission).

Submission:

Labcorp Genetics (formerly Invitae), Labcorp
Classification: Uncertain significance. Last evaluated: 2023-12-26. Review status: criteria provided, single submitter. Criteria: Invitae Variant Classification Sherloc (09022015). Collection method: clinical testing. Allele origin: germline.
Comment: This sequence change replaces aspartic acid, which is acidic and polar, with glycine, which is neutral and non-polar, at codon 106 of the VAC14 protein (p.Asp106Gly). This variant is not present in population databases (gnomAD no frequency). This variant has not been reported in the literature in individuals affected with VAC14-related conditions. Advanced modeling of protein sequence and biophysical properties (such as structural, functional, and spatial information, amino acid conservation, physicochemical variation, residue mobility, and thermodynamic stability) performed at Invitae indicates that this missense variant is expected to disrupt VAC14 protein function with a positive predictive value of 80%. In summary, the available evidence is currently insufficient to determine the role of this variant in disease. Therefore, it has been classified as a Variant of Uncertain Significance.

NM_018052.5(VAC14):c.317A>G (p.Asp106Gly)

Gene: VAC14 (VAC14 component of PIKFYVE complex; minus strand). Cytogenetic location: 16q22.1.
Variant type: single nucleotide variant.
Coding change: c.317A>G on transcript NM_018052.5 (MANE Select); coding-DNA position 317, A replaced by G.
Protein change: p.Asp106Gly; replaces aspartic acid 106 with glycine.
Molecular consequence: missense variant. On other transcripts: 5 prime UTR variant (1).
Genome position (GRCh38, 1-based): chr16:70,785,808, T>C on the plus strand (A>G on the coding strand, the complement: VAC14 is on the minus strand). VCF-style: chr16-70785808-T-C. GRCh37 (hg19) VCF-style: chr16-70819711-T-C.
Other names: c.-386A>G (NM_001351157.2); short protein forms D106G.
Identifiers: ClinVar variation 2705607 (VCV002705607.3), dbSNP rs2507758761, ClinGen allele CA396612187.
Genomic context (GRCh38, chr16:70,785,808, plus strand): 5'-CCCCGGGCCACCTTGACGATGTTGTAGAGGGCCTCGCAGGCATAGTAGCGCAGCCTGCTG[T>C]CTGCATCATTGAAGCAGGTCAGCACTGGCTCGATCAGCTCCTTCAGGTAGAGCCCTGAGT-3'
Protein context (NP_060522.3, residues 96-116): EPVLTCFNDA[Asp106Gly]SRLRYYACEA